The following is an entry in ClinVar:

NC_000020.10:g.(?_61978090)_(62324656_?)dup

Genes: CHRNA4 (cholinergic receptor nicotinic alpha 4 subunit; minus strand), EEF1A2 (eukaryotic translation elongation factor 1 alpha 2; minus strand), FNDC11 (fibronectin type III domain containing 11; plus strand), GMEB2 (glucocorticoid modulatory element binding protein 2; minus strand), HELZ2 (helicase with zinc finger 2; minus strand) and 6 more. Cytogenetic location: 20q13.33.
Variant type: Duplication.
Identifiers: ClinVar variation 2424110 (VCV002424110.7).

ClinVar aggregate classification (germline): Uncertain significance (1 of 4 stars; one submission).

Conditions:
Dyskeratosis congenita, autosomal recessive 5 (DKCB5). Identifiers: MedGen C3554656, MONDO:0014076, OMIM 615190.
Pulmonary fibrosis and/or bone marrow failure, Telomere-related, 3. Also called: PULMONARY FIBROSIS AND/OR BONE MARROW FAILURE SYNDROME, TELOMERE-RELATED, 3. Identifiers: Orphanet 2032, MedGen C4225346, MONDO:0014613, OMIM 616373.

Submission:

Labcorp Genetics (formerly Invitae), Labcorp
Classification: Uncertain significance for Dyskeratosis congenita, autosomal recessive 5; Pulmonary fibrosis and/or bone marrow failure, Telomere-related, 3. Last evaluated: 2022-07-20. Review status: criteria provided, single submitter. Criteria: Invitae Variant Classification Sherloc (09022015). Collection method: clinical testing. Allele origin: germline.
Comment: This variant results in a copy number gain of the genomic region encompassing exon(s) 1-30 of the RTEL1 gene. This region includes the initiator codon of the gene. This copy number gain extends beyond the assayed region for this gene and therefore may encompass additional genes. As the precise location of this event is unknown, it may be in tandem or it may be located elsewhere in the genome. This variant has not been reported in the literature in individuals affected with RTEL1-related conditions. In summary, the available evidence is currently insufficient to determine the role of this variant in disease. Therefore, it has been classified as a Variant of Uncertain Significance.